The following is an entry in ClinVar:

ClinVar aggregate classification (germline): Likely benign. Review status: reviewed by expert panel (3 of 4 stars). 8 submissions from 8 submitters: Likely benign (1). 7 of the submissions do not count toward it. Last evaluated 2017-04-18.

Conditions:
Lung cancer. Also called: Malignant tumor of lung; Lung cancer, somatic. Identifiers: MedGen C0242379, MONDO:0008903, OMIM 211980.
Gastric cancer. Also called: Malignant tumor of stomach; Stomach cancer. Identifiers: MedGen C0024623, MeSH D013274, MONDO:0001056, OMIM 613659, HP:0012126.
Acute myeloid leukemia (AML). Also called: Acute myeloid leukemia, adult; AML adult; Acute non-lymphocytic leukemia; Acute granulocytic leukemia; Leukemia, acute myeloid, somatic; Leukemia, acute myelogenous, somatic. Identifiers: Orphanet 519, MedGen C0023467, MeSH D015470, MONDO:0018874, OMIM 601626, HP:0004808. Disease mechanism: Constitutively activated FLT3.
Carcinoma of pancreas. Also called: Pancreatic cancer, somatic; Pancreatic carcinoma, somatic; PANCREATIC ACINAR CARCINOMA; PANCREATIC CARCINOMA; Exocrine pancreatic carcinoma. Identifiers: Orphanet 1333, Orphanet 217074, MedGen C0235974, MONDO:0005192. Disease mechanism: loss of function.
Linear nevus sebaceous syndrome. Also called: JADASSOHN NEVUS PHAKOMATOSIS; NEVUS SEBACEUS OF JADASSOHN; Nevus, Sebaceous of Jadassohn; ORGANOID NEVUS PHAKOMATOSIS; SFM SYNDROME; Sebaceous nevus syndrome and hemimegalencephaly. Identifiers: Orphanet 2612, MedGen C4552097, MONDO:0008097, OMIM 163200, HP:0010817.
Noonan syndrome 3 (NS3). Also called: KRAS-Related Noonan Syndrome. Identifiers: Orphanet 648, MedGen C1860991, MONDO:0012371, OMIM 609942.
Autoimmune lymphoproliferative syndrome type 4. Also called: RAS-associated autoimmune leukoproliferative disorder; AUTOIMMUNE LYMPHOPROLIFERATIVE SYNDROME, TYPE IV. Identifiers: Orphanet 268114, MedGen C2674723, MONDO:0013767, OMIM 614470.
Cardiofaciocutaneous syndrome 2 (CFC2). Also called: KRAS-Related Cardiofaciocutaneous Syndrome. Identifiers: Orphanet 1340, MedGen C3809005, MONDO:0014112, OMIM 615278.
Malignant tumor of urinary bladder. Also called: Bladder cancer; Urinary bladder cancer; Urinary Bladder Neoplasms. Identifiers: MedGen C0005684, MONDO:0001187, OMIM 109800.
Toriello-Lacassie-Droste syndrome. Identifiers: Orphanet 3339, MedGen C1838329, MONDO:0010854, OMIM 600268.
Cerebral arteriovenous malformation (BAVM). Also called: CEREBRAL ARTERIOVENOUS MALFORMATIONS; Arteriovenous malformations of the brain. Identifiers: Orphanet 46724, MedGen C0917804, MONDO:0007154, OMIM 108010, HP:0002408.
Familial cancer of breast. Also called: Hereditary breast cancer; hereditary breast carcinoma; BREAST CANCER, FAMILIAL. Identifiers: Orphanet 227535, MedGen C0346153, MONDO:0016419, OMIM 114480. Disease mechanism: loss of function.
RASopathy. Also called: Noonan spectrum disorder; rasopathies. Identifiers: Orphanet 536391, MedGen C5555857, MONDO:0021060.
Prostate cancer, hereditary, 1 (HPC1). Identifiers: Orphanet 1331, MedGen C4722327, MONDO:0011098, OMIM 601518.

Allele frequency attached by ClinVar (database versions not stated): gnomAD 0.00011 and 0.00013; gnomAD exomes 0.00011 and 0.00020; TOPMed 0.00015; 1000 Genomes Project 30x 0.00016; 1000 Genomes Project 0.00020; ExAC 0.00027.
gnomAD v4.1: 192 of 1,610,502 alleles (0.012%); highest among the groups gnomAD compares: Middle Eastern, 0.066%; 1 homozygote.

Submissions (8):

ClinGen RASopathy Variant Curation Expert Panel
Classification: Likely benign for Noonan syndrome and Noonan-related syndrome. Last evaluated: 2017-04-18. Review status: reviewed by expert panel. Criteria: ClinGen RASopathy ACMG Specifications v1. Collection method: curation. Allele origin: germline. Inheritance: Autosomal dominant inheritance.
Comment: The filtering allele frequency of the c.90C>T (p.Asp30=) variant in the KRAS gene is 0.0292% (5/6746) of East Asian chromosomes by the Exome Aggregation Consortium, which is a high enough frequency to be classified as likely benign based on thresholds defined by the ClinGen RASopathy Expert Panel (BS1; PMID:29493581)

CeGaT Center for Human Genetics Tuebingen
Classification: Likely benign. Last evaluated: 2026-08-01. Review status: criteria provided, single submitter. Criteria: CeGaT Center For Human Genetics Tuebingen Variant Classification Criteria Version 2. Collection method: clinical testing. Allele origin: germline. Affected: yes. Observed: 3 variant alleles. Not counted in ClinVar's aggregate classification.
Comment: KRAS: BP4, BP7

Labcorp Genetics (formerly Invitae), Labcorp
Classification: Likely benign for RASopathy. Last evaluated: 2026-01-05. Review status: criteria provided, single submitter. Criteria: Invitae Variant Classification Sherloc (09022015). Collection method: clinical testing. Allele origin: germline. Not counted in ClinVar's aggregate classification.

Blueprint Genetics
Classification: Likely benign. Last evaluated: 2024-11-06. Review status: criteria provided, single submitter. Criteria: ACMG Guidelines, 2015. Collection method: clinical testing. Allele origin: germline. Not counted in ClinVar's aggregate classification.

Fulgent Genetics
Classification: Likely benign for Cerebral arteriovenous malformation; Malignant tumor of urinary bladder; Familial cancer of breast; Linear nevus sebaceous syndrome; Lung cancer; Familial pancreatic carcinoma; Toriello-Lacassie-Droste syndrome; Acute myeloid leukemia; Noonan syndrome 3; Gastric cancer; Autoimmune lymphoproliferative syndrome type 4; Cardiofaciocutaneous syndrome 2. Last evaluated: 2022-04-12. Review status: criteria provided, single submitter. Criteria: ACMG Guidelines, 2015. Collection method: clinical testing. Allele origin: unknown. Not counted in ClinVar's aggregate classification.

Women's Health and Genetics/Laboratory Corporation of America, LabCorp
Classification: Benign. Last evaluated: 2021-04-03. Review status: criteria provided, single submitter. Criteria: LabCorp Variant Classification Summary - May 2015. Collection method: clinical testing. Allele origin: germline. Not counted in ClinVar's aggregate classification.

GeneDx
Classification: Benign. Last evaluated: 2014-03-31. Review status: criteria provided, single submitter. Criteria: GeneDx Variant Classification (06012015). Collection method: clinical testing. Allele origin: germline. Affected: yes. Not counted in ClinVar's aggregate classification.
Comment: This variant is considered likely benign or benign based on one or more of the following criteria: it is a conservative change, it occurs at a poorly conserved position in the protein, it is predicted to be benign by multiple in silico algorithms, and/or has population frequency not consistent with disease.

Laboratory of Virology, Oncology, Biosciences and Environment, Faculty of Sciences and Techniques, Mohammedia- University Hassan II of Casablanca
Classification: Uncertain significance for Prostate cancer, hereditary, 1. Last evaluated: 2022-07-29. Review status: no assertion criteria provided. Collection method: clinical testing. Allele origin: germline. Affected: yes. Not counted in ClinVar's aggregate classification.

Literature cited by the submitters: PubMed 28583095 (cited by Women's Health and Genetics/Laboratory Corporation of America, LabCorp).

NM_033360.4(KRAS):c.90C>T (p.Asp30=)

Gene: KRAS (KRas proto-oncogene, GTPase; minus strand). Cytogenetic location: 12p12.1.
Variant type: single nucleotide variant.
Coding change: c.90C>T on transcript NM_033360.4 (MANE Plus Clinical); coding-DNA position 90, C replaced by T.
Protein change: p.Asp30=; no amino-acid change (aspartic acid 30 retained).
Molecular consequence: synonymous variant.
Genome position (GRCh38, 1-based): chr12:25,245,295, G>A on the plus strand (C>T on the coding strand, the complement: KRAS is on the minus strand). VCF-style: chr12-25245295-G-A. GRCh37 (hg19) VCF-style: chr12-25398229-G-A.
Other names: p.D30D:GAC>GAT; NM_004985.4(KRAS):c.90C>T; c.90C>T, p.Asp30= (LRG_344t2, LRG_344t1, NM_001369786.1 and 2 more transcripts).
Identifiers: ClinVar variation 138061 (VCV000138061.33), dbSNP rs113623140, ClinGen allele CA291858.